The following is an entry in ClinVar:

NM_001943.5(DSG2):c.696C>T (p.His232=)

Gene: DSG2 (desmoglein 2; plus strand). Cytogenetic location: 18q12.1.
Variant type: single nucleotide variant.
Coding change: c.696C>T on transcript NM_001943.5 (MANE Select); coding-DNA position 696, C replaced by T.
Protein change: p.His232=; no amino-acid change (histidine 232 retained).
Molecular consequence: synonymous variant.
Genome position (GRCh38, 1-based): chr18:31,524,453, C>T. VCF-style: chr18-31524453-C-T. GRCh37 (hg19) VCF-style: chr18-29104416-C-T.
Identifiers: ClinVar variation 2026073 (VCV002026073.5), dbSNP rs1468703223, ClinGen allele CA503598864.
Genomic context (GRCh38, chr18:31,524,453, plus strand): 5'-CCAGATGTAAGAGTGACTCTTTTCACCCAGCTGGACATTTTTCATTGCTCTGCAGGAACA[C>T]AGCAGCTACACTTTGACAGTAGAAGCAAGAGATGGCAATGGAGAAGTTACAGACAAACCT-3'
Protein context (NP_001934.2, residues 222-242): TTSVTLDREE[His232=]SSYTLTVEAR

ClinVar aggregate classification (germline): Likely benign. Review status: criteria provided, multiple submitters, no conflicts (2 of 4 stars). 2 submissions from 2 submitters: Likely benign (2). Last evaluated 2025-09-27.

Conditions:
Arrhythmogenic right ventricular cardiomyopathy (ARVD). Also called: Cardiomyopathy, ARVC; Arrhythmogenic cardiomyopathy; Arrhythmogenic Right Ventricular Cardiomyopathy (ARVC); Arrhythmogenic right ventricular dysplasia. Identifiers: Orphanet 247, MedGen C0349788, MeSH D019571, MONDO:0016587. Disease mechanism: loss of function. Inheritance: Various modes of inheritance.
Arrhythmogenic right ventricular dysplasia 10. Also called: ARRHYTHMOGENIC RIGHT VENTRICULAR DYSPLASIA, FAMILIAL, 10; Arrhythmogenic Right Ventricular Dysplasia/Cardiomyopathy10; Arrhythmogenic right ventricular dysplasia/cardiomyopathy, type 10. Identifiers: MedGen C1857777, MONDO:0012434, OMIM 610193.

Allele frequency attached by ClinVar (database versions not stated): gnomAD exomes below 0.00001; TOPMed below 0.00001.

Submissions (2):

Labcorp Genetics (formerly Invitae), Labcorp
Classification: Likely benign for Arrhythmogenic right ventricular dysplasia 10. Last evaluated: 2025-09-27. Review status: criteria provided, single submitter. Criteria: Invitae Variant Classification Sherloc (09022015). Collection method: clinical testing. Allele origin: germline.

All of Us Research Program, National Institutes of Health
Classification: Likely benign for Arrhythmogenic right ventricular cardiomyopathy. Last evaluated: 2023-10-06. Review status: criteria provided, single submitter. Criteria: ACMG Guidelines, 2015. Collection method: clinical testing. Allele origin: germline. Inheritance: Autosomal dominant inheritance. Observed: 1 variant allele, 1 heterozygote.
Comment: This study involves interpretation of variants in research participants for the purpose of population health screening. Participant phenotype was not available at the time of variant classification. Additional details can be found in publication PMID: 35346344, PMCID: PMC8962531